The following is an entry in ClinVar:

ClinVar aggregate classification (germline): Likely benign. Review status: criteria provided, multiple submitters, no conflicts (2 of 4 stars). 3 submissions from 3 submitters: Likely benign (2). 1 of the submissions does not count toward it. Last evaluated 2026-01-14.

Conditions:
ATP8B1-related disorder. Also called: ATP8B1-related condition; ATP8B1-related disorders.

Allele frequency attached by ClinVar (database versions not stated): gnomAD exomes 0.00002 and 0.00006; ExAC 0.00007; gnomAD 0.00011 and 0.00015; ESP Exome Variant Server 0.00015; TOPMed 0.00024; 1000 Genomes Project 0.00060; 1000 Genomes Project 30x 0.00062.
gnomAD v4.1: 64 of 1,614,152 alleles (0.004%); highest among the groups gnomAD compares: African/African-American, 0.064%; no homozygotes.

Submissions (3):

Labcorp Genetics (formerly Invitae), Labcorp
Classification: Likely benign. Last evaluated: 2026-01-14. Review status: criteria provided, single submitter. Criteria: Invitae Variant Classification Sherloc (09022015). Collection method: clinical testing. Allele origin: germline.

GeneDx
Classification: Likely benign. Last evaluated: 2016-06-03. Review status: criteria provided, single submitter. Criteria: GeneDx Variant Classification (06012015). Collection method: clinical testing. Allele origin: germline. Affected: yes.
Comment: This variant is considered likely benign or benign based on one or more of the following criteria: it is a conservative change, it occurs at a poorly conserved position in the protein, it is predicted to be benign by multiple in silico algorithms, and/or has population frequency not consistent with disease.

PreventionGenetics, part of Exact Sciences
Classification: Likely benign for ATP8B1-related condition. Last evaluated: 2020-06-12. Review status: no assertion criteria provided. Collection method: clinical testing. Allele origin: germline. Not counted in ClinVar's aggregate classification.
Comment: This variant is classified as likely benign based on ACMG/AMP sequence variant interpretation guidelines (Richards et al. 2015 PMID: 25741868, with internal and published modifications).

NM_001374385.1(ATP8B1):c.2796G>A (p.Leu932=)

Genes: ATP8B1 (ATPase phospholipid transporting 8B1; minus strand), ATP8B1-AS1 (ATP8B1 antisense RNA 1; plus strand). Cytogenetic location: 18q21.31.
Variant type: single nucleotide variant.
Coding change: c.2796G>A on transcript NM_001374385.1 (MANE Select); coding-DNA position 2796, G replaced by A.
Protein change: p.Leu932=; no amino-acid change (leucine 932 retained).
Molecular consequence: synonymous variant.
Genome position (GRCh38, 1-based): chr18:57,655,329, C>T on the plus strand (G>A on the coding strand, the complement: ATP8B1 is on the minus strand). VCF-style: chr18-57655329-C-T. GRCh37 (hg19) VCF-style: chr18-55322561-C-T.
Other names: c.2646G>A, p.Leu882= (NM_001374386.1); c.2796G>A, p.Leu932= (NM_005603.6).
Identifiers: ClinVar variation 385799 (VCV000385799.6), dbSNP rs150451318, ClinGen allele CA8974159.
Genomic context (GRCh38, chr18:57,655,329, plus strand): 5'-TCGTAGGAACTTGCACATCCTTATGTAAGACCATCGGCCATGCACCAGCAGTAGCCTCTG[C>T]AGATATCGGAACTGAGCAAAGGAATAGTCACTCGACATGACAGCTTGCATTCCTTCTTGT-3'
Protein context (NP_001361314.1, residues 922-942): SDYSFAQFRY[Leu932=]QRLLLVHGRW